The following is an entry in ClinVar:

NM_001384474.1(LOXHD1):c.3619+9G>A

Gene: LOXHD1 (lipoxygenase homology PLAT domains 1; minus strand). Cytogenetic location: 18q21.1.
Variant type: single nucleotide variant.
Coding change: c.3619+9G>A on transcript NM_001384474.1 (MANE Select); 9 bases into the intron after coding-DNA position 3619, G replaced by A.
Molecular consequence: intron variant.
Genome position (GRCh38, 1-based): chr18:46,545,308, C>T on the plus strand (G>A on the coding strand, the complement: LOXHD1 is on the minus strand). VCF-style: chr18-46545308-C-T. GRCh37 (hg19) VCF-style: chr18-44125271-C-T.
Other names: c.286+9G>A (NM_001145472.3); c.-3+9G>A (NM_001308013.2); c.3619+9G>A (NM_144612.7).
Identifiers: ClinVar variation 666627 (VCV000666627.18), dbSNP rs576031049, ClinGen allele CA8952472.

ClinVar aggregate classification (germline): Benign/Likely benign. Review status: criteria provided, multiple submitters, no conflicts (2 of 4 stars). 5 submissions from 5 submitters: Benign (2); Likely benign (1). 2 of the submissions do not count toward it. Last evaluated 2026-01-26.

Conditions:
Autosomal recessive nonsyndromic hearing loss 77. Identifiers: Orphanet 90636, MedGen C2746083, MONDO:0013119, OMIM 613079.
LOXHD1-related disorder. Also called: LOXHD1-related condition.

Allele frequency attached by ClinVar (database versions not stated): gnomAD below 0.00001 and 0.00027; TOPMed 0.00004; gnomAD exomes 0.00037 and 0.00087; ExAC 0.00165; 1000 Genomes Project 30x 0.00172; 1000 Genomes Project 0.00200.
gnomAD v4.1: 560 of 1,546,002 alleles (0.036%); highest among the groups gnomAD compares: South Asian, 0.62%; 7 homozygotes.

Submissions (5):

Labcorp Genetics (formerly Invitae), Labcorp
Classification: Benign. Last evaluated: 2026-01-26. Review status: criteria provided, single submitter. Criteria: Invitae Variant Classification Sherloc (09022015). Collection method: clinical testing. Allele origin: germline.

GeneDx
Classification: Likely benign. Last evaluated: 2018-03-30. Review status: criteria provided, single submitter. Criteria: GeneDx Variant Classification (06012015). Collection method: clinical testing. Allele origin: germline. Affected: yes.
Comment: This variant is considered likely benign or benign based on one or more of the following criteria: it is a conservative change, it occurs at a poorly conserved position in the protein, it is predicted to be benign by multiple in silico algorithms, and/or has population frequency not consistent with disease.

Laboratory for Molecular Medicine, Mass General Brigham Personalized Medicine
Classification: Benign. Last evaluated: 2017-08-23. Review status: criteria provided, single submitter. Criteria: LMM Criteria. Collection method: clinical testing. Allele origin: germline. Observed: 1 variant allele.
Comment: c.3619+9G>A in intron 23 of LOXHD1: This variant is not expected to have clinica l significance because it does not alter an amino acid residue, is not located w ithin the splice consensus sequence, and has been identified in 0.47% (37/7914) of South Asian chromosomes by the Exome Aggregation Consortium (ExAC; dbSNP rs576031049).

Natera, Inc.
Classification: Uncertain significance for Autosomal recessive deafness type 77. Last evaluated: 2020-01-24. Review status: no assertion criteria provided. Collection method: clinical testing. Allele origin: germline. Not counted in ClinVar's aggregate classification.

PreventionGenetics, part of Exact Sciences
Classification: Likely benign for LOXHD1-related condition. Last evaluated: 2019-12-09. Review status: no assertion criteria provided. Collection method: clinical testing. Allele origin: germline. Not counted in ClinVar's aggregate classification.
Comment: This variant is classified as likely benign based on ACMG/AMP sequence variant interpretation guidelines (Richards et al. 2015 PMID: 25741868, with internal and published modifications).